The following is an entry in ClinVar:

ClinVar aggregate classification (germline): Uncertain significance (1 of 4 stars; one submission).

Submission:

Labcorp Genetics (formerly Invitae), Labcorp
Classification: Uncertain significance. Last evaluated: 2022-05-11. Review status: criteria provided, single submitter. Criteria: Invitae Variant Classification Sherloc (09022015). Collection method: clinical testing. Allele origin: germline.
Comment: This variant is not present in population databases (gnomAD no frequency). This variant has not been reported in the literature in individuals affected with SAMD9L-related conditions. Experimental studies and prediction algorithms are not available or were not evaluated, and the functional significance of this variant is currently unknown. In summary, the available evidence is currently insufficient to determine the role of this variant in disease. Therefore, it has been classified as a Variant of Uncertain Significance. This sequence change creates a premature translational stop signal (p.Arg1564Cysfs*5) in the SAMD9L gene. While this is not anticipated to result in nonsense mediated decay, it is expected to disrupt the last 21 amino acid(s) of the SAMD9L protein.

NM_152703.5(SAMD9L):c.4689_4692del (p.Arg1564fs)

Gene: SAMD9L (sterile alpha motif domain containing 9 like; minus strand). Cytogenetic location: 7q21.2.
Variant type: Deletion.
Coding change: c.4689_4692del on transcript NM_152703.5 (MANE Select); coding-DNA positions 4689 to 4692, 4 bases deleted (AAGA; older notation c.4689_4692delAAGA).
Protein change: p.Arg1564fs; shifts the reading frame from arginine 1564.
Molecular consequence: frameshift variant.
Genome position (GRCh38, 1-based): chr7:93,131,280-93,131,283, TCTT deleted on the plus strand (AAGA on the coding strand, the reverse complement: SAMD9L is on the minus strand); deleting any 4 consecutive bases within chr7:93,131,280-93,131,286 gives the same sequence; the c. name uses the placement nearest the transcript's 3' end. VCF-style (leftmost placement, unchanged base first): chr7-93131279-CTCTT-C. GRCh37 (hg19) VCF-style: chr7-92760592-CTCTT-C.
Other names: c.4689_4692del, p.Arg1564fs (NM_001303496.3, NM_001303497.3, NM_001303498.3 and 5 more transcripts); short protein forms R1564fs.
Identifiers: ClinVar variation 1993059 (VCV001993059.4), dbSNP rs2535400655, ClinGen allele CA576706826.